The following is an entry in ClinVar:

ClinVar aggregate classification (germline): Uncertain significance (1 of 4 stars; one submission).

Conditions:
Fanconi anemia (FA). Also called: Fanconi's anemia. Identifiers: Orphanet 84, MedGen C0015625, MeSH D005199, MONDO:0019391.

Allele frequency attached by ClinVar (database versions not stated): gnomAD exomes below 0.00001.
gnomAD v4.1: 1 of 1,613,546 alleles (0.000062%); highest among the groups gnomAD compares: Non-Finnish European, 0.000085%; no homozygotes.

Submission:

Labcorp Genetics (formerly Invitae), Labcorp
Classification: Uncertain significance for Fanconi anemia. Last evaluated: 2025-07-10. Review status: criteria provided, single submitter. Criteria: Invitae Variant Classification Sherloc (09022015). Collection method: clinical testing. Allele origin: germline.
Comment: This sequence change replaces isoleucine, which is neutral and non-polar, with methionine, which is neutral and non-polar, at codon 760 of the FANCI protein (p.Ile760Met). This variant is not present in population databases (gnomAD no frequency). This variant has not been reported in the literature in individuals affected with FANCI-related conditions. ClinVar contains an entry for this variant (Variation ID: 2000576). Invitae Evidence Modeling of protein sequence and biophysical properties (such as structural, functional, and spatial information, amino acid conservation, physicochemical variation, residue mobility, and thermodynamic stability) indicates that this missense variant is not expected to disrupt FANCI protein function with a negative predictive value of 80%. In summary, the available evidence is currently insufficient to determine the role of this variant in disease. Therefore, it has been classified as a Variant of Uncertain Significance.

NM_001113378.2(FANCI):c.2280A>G (p.Ile760Met)

Gene: FANCI (FA complementation group I; plus strand). Cytogenetic location: 15q26.1.
Variant type: single nucleotide variant.
Coding change: c.2280A>G on transcript NM_001113378.2 (MANE Select); coding-DNA position 2280, A replaced by G.
Protein change: p.Ile760Met; replaces isoleucine 760 with methionine.
Molecular consequence: missense variant.
Genome position (GRCh38, 1-based): chr15:89,293,052, A>G. VCF-style: chr15-89293052-A-G. GRCh37 (hg19) VCF-style: chr15-89836283-A-G.
Other names: c.2001A>G, p.Ile667Met (NM_001376910.1); c.2280A>G, p.Ile760Met (NM_001376911.1, NM_018193.3); short protein forms I667M, I760M.
Identifiers: ClinVar variation 2000576 (VCV002000576.4), dbSNP rs2507402357, ClinGen allele CA393749536.